The following is an entry in ClinVar:

ClinVar aggregate classification (germline): Uncertain significance (1 of 4 stars; one submission).

Allele frequency attached by ClinVar (database versions not stated): gnomAD exomes below 0.00001; TOPMed below 0.00001.

Submission:

Labcorp Genetics (formerly Invitae), Labcorp
Classification: Uncertain significance. Last evaluated: 2022-06-07. Review status: criteria provided, single submitter. Criteria: Invitae Variant Classification Sherloc (09022015). Collection method: clinical testing. Allele origin: germline.
Comment: In summary, the available evidence is currently insufficient to determine the role of this variant in disease. Therefore, it has been classified as a Variant of Uncertain Significance. Algorithms developed to predict the effect of missense changes on protein structure and function are either unavailable or do not agree on the potential impact of this missense change (SIFT: "Not Available"; PolyPhen-2: "Possibly Damaging"; Align-GVGD: "Not Available"). This variant has not been reported in the literature in individuals affected with SLC9A3-related conditions. This variant is not present in population databases (gnomAD no frequency). This sequence change replaces threonine, which is neutral and polar, with isoleucine, which is neutral and non-polar, at codon 158 of the SLC9A3 protein (p.Thr158Ile).

NM_004174.4(SLC9A3):c.473C>T (p.Thr158Ile)

Gene: SLC9A3 (solute carrier family 9 member A3). Cytogenetic location: 5p15.33.
Variant type: single nucleotide variant.
Coding change: c.473C>T on transcript NM_004174.4 (MANE Select); coding-DNA position 473, C replaced by T.
Protein change: p.Thr158Ile; replaces threonine 158 with isoleucine.
Molecular consequence: missense variant.
Genome position (GRCh38, 1-based): chr5:491,810, G>A on the plus strand (C>T on the coding strand, the complement: SLC9A3 is on the minus strand). VCF-style: chr5-491810-G-A. GRCh37 (hg19) VCF-style: chr5-491925-G-A.
Other names: c.473C>T, p.Thr158Ile (NM_001284351.3); short protein forms T158I.
Identifiers: ClinVar variation 1951372 (VCV001951372.5), dbSNP rs1739756990, ClinGen allele CA359031165.